The following is an entry in ClinVar:

NM_000264.5(PTCH1):c.772A>G (p.Asn258Asp)

Gene: PTCH1 (patched 1; minus strand). Cytogenetic location: 9q22.32.
Variant type: single nucleotide variant.
Coding change: c.772A>G on transcript NM_000264.5 (MANE Select); coding-DNA position 772, A replaced by G.
Protein change: p.Asn258Asp; replaces asparagine 258 with aspartic acid.
Molecular consequence: missense variant. On other transcripts: non-coding transcript variant (1).
Genome position (GRCh38, 1-based): chr9:95,480,563, T>C on the plus strand (A>G on the coding strand, the complement: PTCH1 is on the minus strand). VCF-style: chr9-95480563-T-C. GRCh37 (hg19) VCF-style: chr9-98242845-T-C.
Other names: c.574A>G, p.Asn192Asp (NM_001083602.3); c.769A>G, p.Asn257Asp (NM_001083603.3); c.319A>G, p.Asn107Asp (NM_001083604.3, NM_001083605.3, NM_001083606.3 and 1 more transcripts); c.772A>G, p.Asn258Asp (NM_001354918.2); short protein forms N107D, N257D, N258D, N192D.
Identifiers: ClinVar variation 2843385 (VCV002843385.4), dbSNP rs2118427362, ClinGen allele CA374114507.

ClinVar aggregate classification (germline): Uncertain significance. Review status: criteria provided, multiple submitters, no conflicts (2 of 4 stars). 2 submissions from 2 submitters: Uncertain significance (2). Last evaluated 2024-02-25.

Conditions:
Gorlin syndrome. Also called: Nevoid Basal Cell Carcinoma Syndrome; Basal cell nevus syndrome. Identifiers: Orphanet 377, MedGen C0004779, MONDO:0007187.
Hereditary cancer-predisposing syndrome. Also called: Hereditary Cancer Syndrome; Hereditary neoplastic syndrome; Neoplastic Syndromes, Hereditary; Tumor predisposition. Identifiers: Orphanet 140162, MedGen C0027672, MeSH D009386, MONDO:0015356.

Submissions (2):

Ambry Genetics
Classification: Uncertain significance for Hereditary cancer-predisposing syndrome. Last evaluated: 2024-02-25. Review status: criteria provided, single submitter. Criteria: Ambry Variant Classification Scheme 2023. Collection method: clinical testing. Allele origin: germline.
Comment: The p.N258D variant (also known as c.772A>G), located in coding exon 6 of the PTCH1 gene, results from an A to G substitution at nucleotide position 772. The asparagine at codon 258 is replaced by aspartic acid, an amino acid with highly similar properties. This amino acid position is conserved. In addition, the in silico prediction for this alteration is inconclusive. Based on the available evidence, the clinical significance of this alteration remains unclear.

Labcorp Genetics (formerly Invitae), Labcorp
Classification: Uncertain significance for Gorlin syndrome. Last evaluated: 2023-07-19. Review status: criteria provided, single submitter. Criteria: Invitae Variant Classification Sherloc (09022015). Collection method: clinical testing. Allele origin: germline.
Comment: This variant has not been reported in the literature in individuals affected with PTCH1-related conditions. Advanced modeling of protein sequence and biophysical properties (such as structural, functional, and spatial information, amino acid conservation, physicochemical variation, residue mobility, and thermodynamic stability) performed at Invitae indicates that this missense variant is not expected to disrupt PTCH1 protein function. In summary, the available evidence is currently insufficient to determine the role of this variant in disease. Therefore, it has been classified as a Variant of Uncertain Significance. This variant is not present in population databases (gnomAD no frequency). This sequence change replaces asparagine, which is neutral and polar, with aspartic acid, which is acidic and polar, at codon 258 of the PTCH1 protein (p.Asn258Asp).